The following is an entry in ClinVar:

ClinVar aggregate classification (germline): Uncertain significance. Review status: criteria provided, multiple submitters, no conflicts (2 of 4 stars). 2 submissions from 2 submitters: Uncertain significance (2). Last evaluated 2024-10-15.

Allele frequency attached by ClinVar (database versions not stated): gnomAD exomes 0.00001.
gnomAD v4.1: 12 of 1,614,198 alleles (0.00074%); highest among the groups gnomAD compares: Middle Eastern, 0.016%; no homozygotes.

Submissions (2):

Labcorp Genetics (formerly Invitae), Labcorp
Classification: Uncertain significance. Last evaluated: 2024-10-15. Review status: criteria provided, single submitter. Criteria: Invitae Variant Classification Sherloc (09022015). Collection method: clinical testing. Allele origin: germline.
Comment: This sequence change replaces arginine, which is basic and polar, with glutamine, which is neutral and polar, at codon 809 of the KIAA0556 protein (p.Arg809Gln). This variant is present in population databases (no rsID available, gnomAD 0.006%). This variant has not been reported in the literature in individuals affected with KIAA0556-related conditions. ClinVar contains an entry for this variant (Variation ID: 1947497). An algorithm developed to predict the effect of missense changes on protein structure and function outputs the following: PolyPhen-2: "Benign". The glutamine amino acid residue is found in multiple mammalian species, which suggests that this missense change does not adversely affect protein function. In summary, the available evidence is currently insufficient to determine the role of this variant in disease. Therefore, it has been classified as a Variant of Uncertain Significance.

Ambry Genetics
Classification: Uncertain significance. Last evaluated: 2022-10-04. Review status: criteria provided, single submitter. Criteria: Ambry Variant Classification Scheme 2023. Collection method: clinical testing. Allele origin: germline.

NM_015202.5(KATNIP):c.2426G>A (p.Arg809Gln)

Gene: KATNIP (katanin interacting protein; plus strand). Cytogenetic location: 16p12.1.
Variant type: single nucleotide variant.
Coding change: c.2426G>A on transcript NM_015202.5 (MANE Select); coding-DNA position 2426, G replaced by A.
Protein change: p.Arg809Gln; replaces arginine 809 with glutamine.
Molecular consequence: missense variant.
Genome position (GRCh38, 1-based): chr16:27,740,723, G>A. VCF-style: chr16-27740723-G-A. GRCh37 (hg19) VCF-style: chr16-27752044-G-A.
Other names: c.2426G>A (NM_015202.2); short protein forms R809Q.
Identifiers: ClinVar variation 1947497 (VCV001947497.6), dbSNP rs1286736049, ClinGen allele CA395322320.